The following is an entry in ClinVar:

NM_000219.6(KCNE1):c.162C>G (p.Phe54Leu)

Gene: KCNE1 (potassium voltage-gated channel subfamily E regulatory subunit 1; minus strand). Cytogenetic location: 21q22.12.
Variant type: single nucleotide variant.
Coding change: c.162C>G on transcript NM_000219.6 (MANE Select); coding-DNA position 162, C replaced by G.
Protein change: p.Phe54Leu; replaces phenylalanine 54 with leucine.
Molecular consequence: missense variant.
Genome position (GRCh38, 1-based): chr21:34,449,473, G>C on the plus strand (C>G on the coding strand, the complement: KCNE1 is on the minus strand). VCF-style: chr21-34449473-G-C. GRCh37 (hg19) VCF-style: chr21-35821771-G-C.
Other names: c.162C>G, p.Phe54Leu (NM_001127668.4, NM_001127669.4, NM_001127670.4 and 4 more transcripts); short protein forms F54L.
Identifiers: ClinVar variation 3374211 (VCV003374211.2).

Conditions:
Long QT syndrome 5 (LQT5). Identifiers: Orphanet 101016, Orphanet 768, MedGen C1867904, MONDO:0013372, OMIM 613695.

Submission:

Roden Lab, Vanderbilt University Medical Center
No classification provided (evidence only). Condition: Long QT syndrome 5. Review status: no classification provided. Collection method: in vitro. Allele origin: not applicable. Functional consequence: Effect on ion channel function.
ClinVar note: "not provided" was previously submitted as the classification for the variant. However, the classification appeared to be based only on an observation of functional data so it was converted to no classification on 2025-07-30.